The following is an entry in ClinVar:

NM_001277115.2(DNAH11):c.1846C>T (p.Gln616Ter)

Gene: DNAH11 (dynein axonemal heavy chain 11; plus strand). Cytogenetic location: 7p15.3.
Variant type: single nucleotide variant.
Coding change: c.1846C>T on transcript NM_001277115.2 (MANE Select); coding-DNA position 1846, C replaced by T.
Protein change: p.Gln616Ter; replaces glutamine 616 with a stop codon.
Molecular consequence: nonsense.
Genome position (GRCh38, 1-based): chr7:21,588,199, C>T. VCF-style: chr7-21588199-C-T. GRCh37 (hg19) VCF-style: chr7-21627817-C-T.
Other names: c.1846C>T, p.Gln616Ter (NM_003777.3); short protein forms Q616*.
Identifiers: ClinVar variation 2735573 (VCV002735573.3), dbSNP rs774665658, ClinGen allele CA366938865.
Genomic context (GRCh38, chr7:21,588,199, plus strand): 5'-GTGCATATGTTTAATACAGAGCTGGATGTGTGTAAGCAACTGTATAATGAACACATGAAA[C>T]AGGTAAGTGGTGGATAAGGTTGGACACATTTACAATATCATTTAGGCGGATAATGACCAT-3'

ClinVar aggregate classification (germline): Pathogenic (1 of 4 stars; one submission).

Conditions:
Primary ciliary dyskinesia. Also called: Ciliary dyskinesia. Identifiers: Orphanet 244, MedGen C0008780, MONDO:0016575, HP:0012265.

gnomAD v4.1: 3 of 1,610,646 alleles (0.00019%); highest among the groups gnomAD compares: Non-Finnish European, 0.00025%; no homozygotes.

Submission:

Labcorp Genetics (formerly Invitae), Labcorp
Classification: Pathogenic for Primary ciliary dyskinesia. Last evaluated: 2023-11-17. Review status: criteria provided, single submitter. Criteria: Invitae Variant Classification Sherloc (09022015). Collection method: clinical testing. Allele origin: germline.
Comment: This sequence change creates a premature translational stop signal (p.Gln616*) in the DNAH11 gene. It is expected to result in an absent or disrupted protein product. Loss-of-function variants in DNAH11 are known to be pathogenic (PMID: 18022865, 20513915, 22184204). This variant is not present in population databases (gnomAD no frequency). This variant has not been reported in the literature in individuals affected with DNAH11-related conditions. For these reasons, this variant has been classified as Pathogenic.

Literature cited by the submitters: PubMed 18022865; PubMed 20513915; PubMed 22184204.